The following is an entry in ClinVar:

ClinVar aggregate classification (germline): Uncertain significance. Review status: criteria provided, multiple submitters, no conflicts (2 of 4 stars). 5 submissions from 4 submitters: Uncertain significance (5). Last evaluated 2025-01-29.

Conditions:
Retinitis pigmentosa 74 (RP74). Identifiers: Orphanet 791, MedGen C4225281, MONDO:0014692, OMIM 616562.
Bardet-Biedl syndrome 2 (BBS2). Identifiers: Orphanet 110, MedGen C2936863, MONDO:0014432, OMIM 615981.
BBS2-related disorder. Also called: BBS2-related condition; BBS2-related disorders. Identifiers: MedGen CN239228.

Allele frequency attached by ClinVar (database versions not stated): ExAC 0.00003.
gnomAD v4.1: 30 of 1,613,932 alleles (0.0019%); highest among the groups gnomAD compares: Middle Eastern, 0.016%; no homozygotes.

Submissions (5):

PreventionGenetics, part of Exact Sciences
Classification: Uncertain significance for BBS2-related condition. Last evaluated: 2025-01-29. Review status: criteria provided, single submitter. Criteria: ACMG Guidelines, 2015. Collection method: clinical testing. Allele origin: germline.
Comment: The BBS2 c.1973A>G variant is predicted to result in the amino acid substitution p.Tyr658Cys. To our knowledge, this variant has not been reported in the literature. This variant is reported in 0.013% of alleles in individuals of South Asian descent in gnomAD. At this time, the clinical significance of this variant is uncertain due to the absence of conclusive functional and genetic evidence.

Blueprint Genetics
Classification: Uncertain significance. Last evaluated: 2024-04-26. Review status: criteria provided, single submitter. Criteria: ACMG Guidelines, 2015. Collection method: clinical testing. Allele origin: germline.

Fulgent Genetics
Classification: Uncertain significance for Bardet-Biedl syndrome 2; Retinitis pigmentosa 74. Last evaluated: 2022-03-07. Review status: criteria provided, single submitter. Criteria: ACMG Guidelines, 2015. Collection method: clinical testing. Allele origin: unknown.

Genome-Nilou Lab
Classification: Uncertain significance for Bardet-Biedl syndrome 2. Last evaluated: 2021-07-14. Review status: criteria provided, single submitter. Criteria: ACMG Guidelines, 2015. Collection method: clinical testing. Allele origin: germline. Affected: no.

Genome-Nilou Lab
Classification: Uncertain significance for Retinitis pigmentosa 74. Last evaluated: 2021-07-14. Review status: criteria provided, single submitter. Criteria: ACMG Guidelines, 2015. Collection method: clinical testing. Allele origin: germline. Affected: no.

NM_031885.5(BBS2):c.1973A>G (p.Tyr658Cys)

Gene: BBS2 (Bardet-Biedl syndrome 2; minus strand). Cytogenetic location: 16q13.
Variant type: single nucleotide variant.
Coding change: c.1973A>G on transcript NM_031885.5 (MANE Select); coding-DNA position 1973, A replaced by G.
Protein change: p.Tyr658Cys; replaces tyrosine 658 with cysteine.
Molecular consequence: missense variant. On other transcripts: non-coding transcript variant (5).
Genome position (GRCh38, 1-based): chr16:56,485,676, T>C on the plus strand (A>G on the coding strand, the complement: BBS2 is on the minus strand). VCF-style: chr16-56485676-T-C. GRCh37 (hg19) VCF-style: chr16-56519588-T-C.
Other names: c.1973A>G (NM_031885.3); c.1973A>G, p.Tyr658Cys (NM_001377456.1); short protein forms Y658C.
Identifiers: ClinVar variation 1195902 (VCV001195902.8), dbSNP rs753656568, ClinGen allele CA8065565.